The following is an entry in ClinVar:

ClinVar aggregate classification (germline): Pathogenic/Likely pathogenic. Review status: criteria provided, multiple submitters, no conflicts (2 of 4 stars). 3 submissions from 3 submitters: Pathogenic (1); Likely pathogenic (2). Last evaluated 2023-06-05.

Conditions:
Arrhythmogenic right ventricular dysplasia 10. Also called: Arrhythmogenic Right Ventricular Dysplasia/Cardiomyopathy10; Arrhythmogenic right ventricular dysplasia/cardiomyopathy, type 10; ARRHYTHMOGENIC RIGHT VENTRICULAR DYSPLASIA, FAMILIAL, 10. Identifiers: MedGen C1857777, MONDO:0012434, OMIM 610193.

Submissions (3):

Labcorp Genetics (formerly Invitae), Labcorp
Classification: Pathogenic for Arrhythmogenic right ventricular dysplasia 10. Last evaluated: 2023-06-05. Review status: criteria provided, single submitter. Criteria: Invitae Variant Classification Sherloc (09022015). Collection method: clinical testing. Allele origin: germline.
Comment: ClinVar contains an entry for this variant (Variation ID: 931696). For these reasons, this variant has been classified as Pathogenic. This variant is not present in population databases (gnomAD no frequency). This sequence change creates a premature translational stop signal (p.Val271Ilefs*4) in the DSG2 gene. It is expected to result in an absent or disrupted protein product. Loss-of-function variants in DSG2 are known to be pathogenic (PMID: 17105751, 31386562). This premature translational stop signal has been observed in individual(s) with arrhythmogenic cardiomyopathy (PMID: 30847666).

GeneDx
Classification: Likely pathogenic. Last evaluated: 2022-09-16. Review status: criteria provided, single submitter. Criteria: GeneDx Variant Classification Process June 2021. Collection method: clinical testing. Allele origin: germline. Affected: yes.
Comment: Reported in a patient referred for arrhythmogenic right ventricular cardiomyopathy (ARVC) (van Lint et al., 2019); Not observed at significant frequency in large population cohorts (gnomAD); Frameshift variant predicted to result in protein truncation or nonsense mediated decay in a gene for which loss-of-function is a known mechanism of disease; This variant is associated with the following publications: (PMID: 30847666)

Centre for Mendelian Genomics, University Medical Centre Ljubljana
Classification: Likely pathogenic for Arrhythmogenic right ventricular dysplasia 10. Last evaluated: 2019-07-09. Review status: criteria provided, single submitter. Criteria: ACMG Guidelines, 2015. Collection method: clinical testing. Allele origin: unknown. Affected: yes.
Comment: This variant was classified as: Likely pathogenic. The following ACMG criteria were applied in classifying this variant: PVS1,PM2.

Literature cited by the submitters: PubMed 17105751 (cited by Labcorp Genetics (formerly Invitae), Labcorp); PubMed 31386562 (cited by Labcorp Genetics (formerly Invitae), Labcorp); PubMed 30847666 (cited by Labcorp Genetics (formerly Invitae), Labcorp).

NM_001943.5(DSG2):c.803_810dup (p.Val271fs)

Gene: DSG2 (desmoglein 2; plus strand). Cytogenetic location: 18q12.1.
Variant type: Duplication.
Coding change: c.803_810dup on transcript NM_001943.5 (MANE Select); coding-DNA positions 803 to 810, 8 bases duplicated (ATATACCT; older notation c.803_810dupATATACCT).
Protein change: p.Val271fs; shifts the reading frame from valine 271.
Molecular consequence: frameshift variant.
Genome position (GRCh38, 1-based): chr18:31,524,560-31,524,567, ATATACCT duplicated. VCF-style (leftmost placement, unchanged base first): chr18-31524559-A-AATATACCT. GRCh37 (hg19) VCF-style: chr18-29104522-A-AATATACCT.
Other names: c.803_810dupATATACCT (NM_001943.3); short protein forms V271fs.
Identifiers: ClinVar variation 931696 (VCV000931696.10), dbSNP rs2073149649, ClinGen allele CA1139666005.